The following is an entry in ClinVar:

NM_020919.4(ALS2):c.535C>T (p.Gln179Ter)

Gene: ALS2 (alsin Rho guanine nucleotide exchange factor ALS2; minus strand). Cytogenetic location: 2q33.1.
Variant type: single nucleotide variant.
Coding change: c.535C>T on transcript NM_020919.4 (MANE Select); coding-DNA position 535, C replaced by T.
Protein change: p.Gln179Ter; replaces glutamine 179 with a stop codon.
Molecular consequence: nonsense.
Genome position (GRCh38, 1-based): chr2:201,761,459, G>A on the plus strand (C>T on the coding strand, the complement: ALS2 is on the minus strand). VCF-style: chr2-201761459-G-A. GRCh37 (hg19) VCF-style: chr2-202626182-G-A.
Other names: c.535C>T, p.Gln179Ter (NM_001135745.2); short protein forms Q179*.
Identifiers: ClinVar variation 504305 (VCV000504305.8), dbSNP rs746255868, ClinGen allele CA2058633.
Genomic context (GRCh38, chr2:201,761,459, plus strand): 5'-CAAGATGTTCTACCTTTTGCGGCTTTGTCACTGGGAAGGCAGTGGTAATGAGACCCAACT[G>A]ACAACCGGTACCCCATGCCCAAATCTCTCTGCTTATTGACAATGCCAGAGTGTGCTCCTC-3'

ClinVar aggregate classification (germline): Pathogenic/Likely pathogenic. Review status: criteria provided, multiple submitters, no conflicts (2 of 4 stars). 2 submissions from 2 submitters: Pathogenic (1); Likely pathogenic (1). Last evaluated 2020-12-22.

Conditions:
Infantile-onset ascending hereditary spastic paralysis (IAHSP). Also called: Autosomal Recessive Juvenile Amyotrophic Lateral Sclerosis; Infantile-Onset Ascending Hereditary Spastic Paralysis (IAHSP). Identifiers: Orphanet 293168, MedGen C2931441, MONDO:0011797, OMIM 607225. Disease mechanism: loss of function.

Allele frequency attached by ClinVar (database versions not stated): TOPMed below 0.00001; gnomAD 0.00001; gnomAD exomes 0.00001 and 0.00002; ExAC 0.00003.

Submissions (2):

Labcorp Genetics (formerly Invitae), Labcorp
Classification: Pathogenic for Infantile-onset ascending hereditary spastic paralysis. Last evaluated: 2020-12-22. Review status: criteria provided, single submitter. Criteria: Invitae Variant Classification Sherloc (09022015). Collection method: clinical testing. Allele origin: germline.
Comment: This variant has not been reported in the literature in individuals with ALS2-related conditions. ClinVar contains an entry for this variant (Variation ID: 504305). This sequence change creates a premature translational stop signal (p.Gln179*) in the ALS2 gene. It is expected to result in an absent or disrupted protein product. Loss-of-function variants in ALS2 are known to be pathogenic (PMID: 11586298, 24315819). This variant is present in population databases (rs746255868, ExAC 0.006%). For these reasons, this variant has been classified as Pathogenic.

GeneDx
Classification: Likely pathogenic. Last evaluated: 2020-01-08. Review status: criteria provided, single submitter. Criteria: GeneDx Variant Classification Process June 2021. Collection method: clinical testing. Allele origin: germline. Affected: yes.
Comment: Nonsense variant predicted to result in protein truncation or nonsense mediated decay in a gene for which loss-of-function is a known mechanism of disease; Not observed at a significant frequency in large population cohorts (Lek et al., 2016); Has not been previously published as pathogenic or benign to our knowledge

Literature cited by the submitters: PubMed 11586298 (cited by Labcorp Genetics (formerly Invitae), Labcorp); PubMed 24315819 (cited by Labcorp Genetics (formerly Invitae), Labcorp).